The following is an entry in ClinVar:

NM_000533.5(PLP1):c.21T>A (p.Cys7Ter)

Genes: PLP1 (proteolipid protein 1; plus strand), RAB9B (RAB9B, member RAS oncogene family; minus strand). Cytogenetic location: Xq22.2.
Variant type: single nucleotide variant.
Coding change: c.21T>A on transcript NM_000533.5 (MANE Select); coding-DNA position 21, T replaced by A.
Protein change: p.Cys7Ter; replaces cysteine 7 with a stop codon.
Molecular consequence: nonsense. On other transcripts: intron variant (1).
Genome position (GRCh38, 1-based): chrX:103,785,598, T>A. VCF-style: chrX-103785598-T-A. GRCh37 (hg19) VCF-style: chrX-103040527-T-A.
Other names: c.21T>A, p.Cys7Ter (NM_001128834.3, NM_199478.3); c.5-149T>A (NM_001305004.1); short protein forms C7*.
Identifiers: ClinVar variation 1028820 (VCV001028820.1), dbSNP rs1038021317, ClinGen allele CA414101786.

ClinVar aggregate classification (germline): Pathogenic (1 of 4 stars; one submission).

Conditions:
Pelizaeus-Merzbacher disease. Also called: Sudanophilic leukodystrophy; Pelizeaus-Merzbacher spectrum disorder; LEUKODYSTROPHY, HYPOMYELINATING, 1; Pelizaeus-Merzbacher spectrum disorder; Pelizaeus-Merzbacher Disease (PMD). Identifiers: Orphanet 702, MedGen C0205711, MONDO:0010714, OMIM 312080, HP:0003269.

Submission:

Baylor Genetics
Classification: Pathogenic for Pelizaeus-Merzbacher disease. Last evaluated: 2020-01-23. Review status: criteria provided, single submitter. Criteria: ACMG Guidelines, 2015. Collection method: clinical testing. Allele origin: unknown. Affected: yes.
Comment: This variant was determined to be pathogenic according to ACMG Guidelines, 2015 [PMID:25741868].